The following is an entry in ClinVar:

ClinVar aggregate classification (germline): Benign/Likely benign. Review status: criteria provided, multiple submitters, no conflicts (2 of 4 stars). 6 submissions from 6 submitters: Benign (1); Likely benign (5). Last evaluated 2026-05-15.

Conditions:
Neurofibromatosis, type 1 (NF1). Also called: Peripheral type neurofibromatosis; Neurofibromatosis, type I; VON RECKLINGHAUSEN DISEASE; NEUROFIBROMATOSIS, TYPE I, SOMATIC. Identifiers: Orphanet 636, MedGen C0027831, MONDO:0018975, OMIM 162200. Disease mechanism: loss of function.
Hereditary cancer-predisposing syndrome. Also called: Neoplastic Syndromes, Hereditary; Hereditary Cancer Syndrome; Tumor predisposition; Hereditary neoplastic syndrome. Identifiers: Orphanet 140162, MedGen C0027672, MeSH D009386, MONDO:0015356.

Allele frequency attached by ClinVar (database versions not stated): gnomAD exomes 0.00001.
gnomAD v4.1: 9 of 1,613,052 alleles (0.00056%); highest among the groups gnomAD compares: Middle Eastern, 0.016%; no homozygotes.

Submissions (6):

Myriad Genetics, Inc.
Classification: Benign for Neurofibromatosis, type 1. Last evaluated: 2026-05-15. Review status: criteria provided, single submitter. Criteria: Myriad Autosomal Dominant, Autosomal Recessive and X-Linked Classification Criteria (2023). Collection method: clinical testing. Allele origin: unknown.
Comment: This variant is considered benign. This variant is a silent/synonymous amino acid change and it is not expected to impact splicing.

Labcorp Genetics (formerly Invitae), Labcorp
Classification: Likely benign for Neurofibromatosis, type 1. Last evaluated: 2026-01-26. Review status: criteria provided, single submitter. Criteria: Invitae Variant Classification Sherloc (09022015). Collection method: clinical testing. Allele origin: germline.

Blueprint Genetics
Classification: Likely benign. Last evaluated: 2024-09-10. Review status: criteria provided, single submitter. Criteria: ACMG Guidelines, 2015. Collection method: clinical testing. Allele origin: germline.

Genome-Nilou Lab
Classification: Likely benign for Neurofibromatosis, type 1. Last evaluated: 2022-03-15. Review status: criteria provided, single submitter. Criteria: ACMG Guidelines, 2015. Collection method: clinical testing. Allele origin: germline. Affected: no.

Sema4
Classification: Likely benign for Hereditary cancer-predisposing syndrome. Last evaluated: 2021-07-08. Review status: criteria provided, single submitter. Criteria: Sema4 Curation Guidelines. Collection method: curation. Allele origin: germline.

Ambry Genetics
Classification: Likely benign for Hereditary cancer-predisposing syndrome. Last evaluated: 2015-01-08. Review status: criteria provided, single submitter. Criteria: Ambry Autosomal Dominant and X-Linked criteria (10/2015). Collection method: clinical testing. Allele origin: germline. Observed: 1 variant allele.

NM_001042492.3(NF1):c.1545G>A (p.Gly515=)

Gene: NF1 (neurofibromin 1; plus strand). Cytogenetic location: 17q11.2.
Variant type: single nucleotide variant.
Coding change: c.1545G>A on transcript NM_001042492.3 (MANE Select); coding-DNA position 1545, G replaced by A.
Protein change: p.Gly515=; no amino-acid change (glycine 515 retained).
Molecular consequence: synonymous variant.
Genome position (GRCh38, 1-based): chr17:31,219,022, G>A. VCF-style: chr17-31219022-G-A. GRCh37 (hg19) VCF-style: chr17-29546040-G-A.
Other names: c.1545G>A, p.Gly515= (NM_000267.4, NM_001128147.3).
Identifiers: ClinVar variation 229800 (VCV000229800.17), dbSNP rs876658203, ClinGen allele CA10580226.
Genomic context (GRCh38, chr17:31,219,022, plus strand): 5'-TTTATTTATTTTTTTAATTGAAGTTTCCTTTTTTTCCTTGCAGAATCCAAGAAAACAGGG[G>A]CCCGAAACCCAAGGCAGTACAGCAGAATTAATTACAGGGCTCGTCCAACTGGTCCCTCAG-3'
Protein context (NP_001035957.1, residues 505-525): KLLLCNPRKQ[Gly515=]PETQGSTAEL